The following is an entry in ClinVar:

ClinVar aggregate classification (germline): Uncertain significance (1 of 4 stars; one submission).

Conditions:
Seizures, benign familial infantile, 3 (BFIS3). Also called: Familial neonatal seizures; CONVULSIONS, BENIGN FAMILIAL INFANTILE, 3. Identifiers: Orphanet 140927, Orphanet 306, MedGen C1843140, MONDO:0011904, OMIM 607745.
Developmental and epileptic encephalopathy, 11 (DEE11). Also called: Early infantile epileptic encephalopathy 11. Identifiers: Orphanet 1934, MedGen C3150987, MONDO:0013388, OMIM 613721.

Submission:

Labcorp Genetics (formerly Invitae), Labcorp
Classification: Uncertain significance for Seizures, benign familial infantile, 3; Developmental and epileptic encephalopathy, 11. Last evaluated: 2021-07-09. Review status: criteria provided, single submitter. Criteria: Invitae Variant Classification Sherloc (09022015). Collection method: clinical testing. Allele origin: germline.
Comment: Algorithms developed to predict the effect of missense changes on protein structure and function are either unavailable or do not agree on the potential impact of this missense change (SIFT: "Deleterious"; PolyPhen-2: "Probably Damaging"; Align-GVGD: "Class C0"). In summary, the available evidence is currently insufficient to determine the role of this variant in disease. Therefore, it has been classified as a Variant of Uncertain Significance. This variant has not been reported in the literature in individuals with SCN2A-related conditions. This sequence change replaces glutamic acid with glutamine at codon 1160 of the SCN2A protein (p.Glu1160Gln). The glutamic acid residue is highly conserved and there is a small physicochemical difference between glutamic acid and glutamine. This variant is not present in population databases (ExAC no frequency).

NM_001040142.2(SCN2A):c.3478G>C (p.Glu1160Gln)

Gene: SCN2A (sodium voltage-gated channel alpha subunit 2; plus strand). Cytogenetic location: 2q24.3.
Variant type: single nucleotide variant.
Coding change: c.3478G>C on transcript NM_001040142.2 (MANE Select); coding-DNA position 3478, G replaced by C.
Protein change: p.Glu1160Gln; replaces glutamic acid 1160 with glutamine.
Molecular consequence: missense variant.
Genome position (GRCh38, 1-based): chr2:165,365,221, G>C. VCF-style: chr2-165365221-G-C. GRCh37 (hg19) VCF-style: chr2-166221731-G-C.
Other names: c.3478G>C, p.Glu1160Gln (NM_001040143.2, NM_001371246.1, NM_001371247.1 and 1 more transcripts); short protein forms E1160Q.
Identifiers: ClinVar variation 1464793 (VCV001464793.8), dbSNP rs1553589056, ClinGen allele CA349024813.